The following is an entry in ClinVar:

NM_004959.5(NR5A1):c.1112T>G (p.Leu371Arg)

Gene: NR5A1 (nuclear receptor subfamily 5 group A member 1; minus strand). Cytogenetic location: 9q33.3.
Variant type: single nucleotide variant.
Coding change: c.1112T>G on transcript NM_004959.5 (MANE Select); coding-DNA position 1112, T replaced by G.
Protein change: p.Leu371Arg; replaces leucine 371 with arginine.
Molecular consequence: missense variant.
Genome position (GRCh38, 1-based): chr9:124,491,107, A>C on the plus strand (T>G on the coding strand, the complement: NR5A1 is on the minus strand). VCF-style: chr9-124491107-A-C. GRCh37 (hg19) VCF-style: chr9-127253386-A-C.
Other names: short protein forms L371R.
Identifiers: ClinVar variation 2499713 (VCV002499713.1), dbSNP rs2538674039, ClinGen allele CA374880474.

ClinVar aggregate classification (germline): Uncertain significance (1 of 4 stars; one submission).

Submission:

GeneDx
Classification: Uncertain significance. Last evaluated: 2022-10-18. Review status: criteria provided, single submitter. Criteria: GeneDx Variant Classification Process June 2021. Collection method: clinical testing. Allele origin: germline. Affected: yes.
Comment: Not observed at significant frequency in large population cohorts (gnomAD); In silico analysis supports that this missense variant has a deleterious effect on protein structure/function; Has not been previously published as pathogenic or benign to our knowledge